The following is an entry in ClinVar:

NM_002133.3(HMOX1):c.840A>G (p.Thr280=)

Gene: HMOX1 (heme oxygenase 1; plus strand). Cytogenetic location: 22q12.3.
Variant type: single nucleotide variant.
Coding change: c.840A>G on transcript NM_002133.3 (MANE Select); coding-DNA position 840, A replaced by G.
Protein change: p.Thr280=; no amino-acid change (threonine 280 retained).
Molecular consequence: synonymous variant.
Genome position (GRCh38, 1-based): chr22:35,393,571, A>G. VCF-style: chr22-35393571-A-G. GRCh37 (hg19) VCF-style: chr22-35789564-A-G.
Other names: p.Thr280=.
Identifiers: ClinVar variation 717053 (VCV000717053.14), dbSNP rs140740892, ClinGen allele CA10204852.

ClinVar aggregate classification (germline): Benign/Likely benign. Review status: criteria provided, multiple submitters, no conflicts (2 of 4 stars). 4 submissions from 4 submitters: Benign (2); Likely benign (2). Last evaluated 2026-01-29.

Allele frequency attached by ClinVar (database versions not stated): gnomAD exomes 0.00060; ExAC 0.00068; gnomAD 0.00234 and 0.00251; TOPMed 0.00263; ESP Exome Variant Server 0.00292; 1000 Genomes Project 0.00300; 1000 Genomes Project 30x 0.00344.
gnomAD v4.1: 698 of 1,614,204 alleles (0.043%); highest among the groups gnomAD compares: African/African-American, 0.82%; 6 homozygotes.

Submissions (4):

Labcorp Genetics (formerly Invitae), Labcorp
Classification: Benign. Last evaluated: 2026-01-29. Review status: criteria provided, single submitter. Criteria: Invitae Variant Classification Sherloc (09022015). Collection method: clinical testing. Allele origin: germline.

Mayo Clinic Laboratories, Mayo Clinic
Classification: Likely benign. Last evaluated: 2024-12-23. Review status: criteria provided, single submitter. Criteria: ACMG Guidelines, 2015. Collection method: clinical testing. Allele origin: germline. Observed: 8 variant alleles.
Comment: BP4, BP7

Blueprint Genetics
Classification: Likely benign. Last evaluated: 2024-10-25. Review status: criteria provided, single submitter. Criteria: ACMG Guidelines, 2015. Collection method: clinical testing. Allele origin: germline.

Breakthrough Genomics
Classification: Benign. Review status: criteria provided, single submitter. Criteria: ACMG Guidelines, 2015. Collection method: not provided. Allele origin: germline. Inheritance: Autosomal recessive inheritance. Affected: yes.